The following is an entry in ClinVar:

ClinVar aggregate classification (germline): Uncertain significance (1 of 4 stars; one submission).

Conditions:
Capillary malformation-arteriovenous malformation syndrome. Also called: Capillary malformation-arteriovenous malformation. Identifiers: Orphanet 137667, MedGen C1842180, MONDO:0012016.

Submission:

Labcorp Genetics (formerly Invitae), Labcorp
Classification: Uncertain significance for Capillary malformation-arteriovenous malformation syndrome. Last evaluated: 2025-08-30. Review status: criteria provided, single submitter. Criteria: Invitae Variant Classification Sherloc (09022015). Collection method: clinical testing. Allele origin: germline.
Comment: This sequence change replaces glycine, which is neutral and non-polar, with serine, which is neutral and polar, at codon 369 of the RASA1 protein (p.Gly369Ser). This variant is not present in population databases (gnomAD no frequency). This variant has not been reported in the literature in individuals affected with RASA1-related conditions. An algorithm developed to predict the effect of missense changes on protein structure and function (PolyPhen-2) suggests that this variant is likely to be disruptive. In summary, the available evidence is currently insufficient to determine the role of this variant in disease. Therefore, it has been classified as a Variant of Uncertain Significance.

NM_002890.3(RASA1):c.1105G>A (p.Gly369Ser)

Genes: CCNH (cyclin H; minus strand), RASA1 (RAS p21 protein activator 1; plus strand). Cytogenetic location: 5q14.3.
Variant type: single nucleotide variant.
Coding change: c.1105G>A on transcript NM_002890.3 (MANE Select); coding-DNA position 1105, G replaced by A.
Protein change: p.Gly369Ser; replaces glycine 369 with serine.
Molecular consequence: missense variant. On other transcripts: intron variant (1).
Genome position (GRCh38, 1-based): chr5:87,349,216, G>A. VCF-style: chr5-87349216-G-A. GRCh37 (hg19) VCF-style: chr5-86645033-G-A.
Other names: c.574G>A, p.Gly192Ser (NM_022650.3); c.934-36421C>T (NM_001364075.2); short protein forms G192S, G369S.
Identifiers: ClinVar variation 4765517 (VCV004765517.1).